The following is an entry in ClinVar:

NM_014806.5(RUSC2):c.2424C>A (p.Pro808=)

Gene: RUSC2 (RUN and SH3 domain containing 2; plus strand). Cytogenetic location: 9p13.3.
Variant type: single nucleotide variant.
Coding change: c.2424C>A on transcript NM_014806.5 (MANE Select); coding-DNA position 2424, C replaced by A.
Protein change: p.Pro808=; no amino-acid change (proline 808 retained).
Molecular consequence: synonymous variant. On other transcripts: 5 prime UTR variant (1), non-coding transcript variant (1).
Genome position (GRCh38, 1-based): chr9:35,555,469, C>A. VCF-style: chr9-35555469-C-A. GRCh37 (hg19) VCF-style: chr9-35555466-C-A.
Other names: c.2424C>A, p.Pro808= (NM_001135999.2); c.-211C>A (NM_001330740.2).
Identifiers: ClinVar variation 3047565 (VCV003047565.2), dbSNP rs2490402742, ClinGen allele CA464607598.

ClinVar aggregate classification (germline): Likely benign (0 of 4 stars; one submission).

Conditions:
RUSC2-related disorder. Also called: RUSC2-related condition.

Submission:

PreventionGenetics, part of Exact Sciences
Classification: Likely benign for RUSC2-related condition. Last evaluated: 2019-04-05. Review status: no assertion criteria provided. Collection method: clinical testing. Allele origin: germline.
Comment: This variant is classified as likely benign based on ACMG/AMP sequence variant interpretation guidelines (Richards et al. 2015 PMID: 25741868, with internal and published modifications).